The following is an entry in ClinVar:

ClinVar aggregate classification (germline): Uncertain significance (1 of 4 stars; one submission).

Conditions:
Peroxisome biogenesis disorder 5A (Zellweger) (PBD5A). Identifiers: Orphanet 912, MedGen C3553940, MONDO:0013932, OMIM 614866.

Allele frequency attached by ClinVar (database versions not stated): gnomAD 0.00001; TOPMed 0.00001.
gnomAD v4.1: 1 of 1,613,976 alleles (0.000062%); highest among the groups gnomAD compares: African/African-American, 0.0013%; no homozygotes.

Submission:

Labcorp Genetics (formerly Invitae), Labcorp
Classification: Uncertain significance for Peroxisome biogenesis disorder 5A (Zellweger). Last evaluated: 2022-06-02. Review status: criteria provided, single submitter. Criteria: Invitae Variant Classification Sherloc (09022015). Collection method: clinical testing. Allele origin: germline.
Comment: This sequence change replaces threonine, which is neutral and polar, with isoleucine, which is neutral and non-polar, at codon 167 of the PEX2 protein (p.Thr167Ile). This variant is not present in population databases (gnomAD no frequency). This variant has not been reported in the literature in individuals affected with PEX2-related conditions. Algorithms developed to predict the effect of missense changes on protein structure and function are either unavailable or do not agree on the potential impact of this missense change (SIFT: "Deleterious"; PolyPhen-2: "Possibly Damaging"; Align-GVGD: "Class C0"). In summary, the available evidence is currently insufficient to determine the role of this variant in disease. Therefore, it has been classified as a Variant of Uncertain Significance.

NM_000318.3(PEX2):c.500C>T (p.Thr167Ile)

Gene: PEX2 (peroxisomal biogenesis factor 2; minus strand). Cytogenetic location: 8q21.13.
Variant type: single nucleotide variant.
Coding change: c.500C>T on transcript NM_000318.3 (MANE Select); coding-DNA position 500, C replaced by T.
Protein change: p.Thr167Ile; replaces threonine 167 with isoleucine.
Molecular consequence: missense variant.
Genome position (GRCh38, 1-based): chr8:76,983,679, G>A on the plus strand (C>T on the coding strand, the complement: PEX2 is on the minus strand). VCF-style: chr8-76983679-G-A. GRCh37 (hg19) VCF-style: chr8-77895915-G-A.
Other names: c.500C>T, p.Thr167Ile (NM_001079867.2, NM_001172086.2, NM_001172087.2); short protein forms T167I.
Identifiers: ClinVar variation 2122179 (VCV002122179.1), dbSNP rs959875758, ClinGen allele CA179988267.